The following is an entry in ClinVar:

NM_001365276.2(TNXB):c.1927A>C (p.Thr643Pro)

Gene: TNXB (tenascin XB; minus strand). Cytogenetic location: 6p21.33.
Variant type: single nucleotide variant.
Coding change: c.1927A>C on transcript NM_001365276.2 (MANE Select); coding-DNA position 1927, A replaced by C.
Protein change: p.Thr643Pro; replaces threonine 643 with proline.
Molecular consequence: missense variant.
Genome position (GRCh38, 1-based): chr6:32,095,926, T>G on the plus strand (A>C on the coding strand, the complement: TNXB is on the minus strand). VCF-style: chr6-32095926-T-G. GRCh37 (hg19) VCF-style: chr6-32063703-T-G.
Other names: c.1927A>C, p.Thr643Pro (NM_019105.8); short protein forms T643P.
Identifiers: ClinVar variation 1782782 (VCV001782782.2), dbSNP rs201703963, ClinGen allele CA136905717.

ClinVar aggregate classification (germline): Uncertain significance (1 of 4 stars; one submission).

Conditions:
Cardiovascular phenotype. Identifiers: MedGen CN230736.

Submission:

Ambry Genetics
Classification: Uncertain significance for Cardiovascular phenotype. Last evaluated: 2021-10-06. Review status: criteria provided, single submitter. Criteria: Ambry Variant Classification Scheme 2023. Collection method: clinical testing. Allele origin: germline.
Comment: The p.T643P variant (also known as c.1927A>C), located in coding exon 2 of the TNXB gene, results from an A to C substitution at nucleotide position 1927. The threonine at codon 643 is replaced by proline, an amino acid with highly similar properties. This amino acid position is conserved. In addition, this alteration is predicted to be tolerated by in silico analysis. Since supporting evidence is limited at this time, the clinical significance of this alteration remains unclear.